The following is an entry in ClinVar:

ClinVar aggregate classification (germline): Uncertain significance. Review status: criteria provided, multiple submitters, no conflicts (2 of 4 stars). 4 submissions from 4 submitters: Uncertain significance (3). 1 of the submissions does not count toward it. Last evaluated 2025-08-07.

Conditions:
Pontocerebellar hypoplasia type 1A (PCH1A). Also called: PONTOCEREBELLAR HYPOPLASIA WITH ANTERIOR HORN CELL DISEASE; PONTOCEREBELLAR HYPOPLASIA WITH INFANTILE SPINAL MUSCULAR ATROPHY. Identifiers: Orphanet 2254, Orphanet 88616, MedGen C1843504, MONDO:0011866, OMIM 607596.
Inborn genetic diseases. Identifiers: MedGen C0950123, MeSH D030342.

Allele frequency attached by ClinVar (database versions not stated): gnomAD exomes 0.00001 and 0.00003; ExAC 0.00004; ESP Exome Variant Server 0.00008; gnomAD 0.00010 and 0.00011; TOPMed 0.00011.
gnomAD v4.1: 26 of 1,613,514 alleles (0.0016%); highest among the groups gnomAD compares: African/African-American, 0.029%; no homozygotes.

Submissions (4):

Ambry Genetics
Classification: Uncertain significance for Inborn genetic diseases. Last evaluated: 2025-08-07. Review status: criteria provided, single submitter. Criteria: Ambry Variant Classification Scheme 2023. Collection method: clinical testing. Allele origin: germline.

Mayo Clinic Laboratories, Mayo Clinic
Classification: Uncertain significance. Last evaluated: 2025-07-30. Review status: criteria provided, single submitter. Criteria: ACMG Guidelines, 2015. Collection method: clinical testing. Allele origin: germline. Observed: 1 variant allele.
Comment: BP4_moderate, PM2_supporting

Labcorp Genetics (formerly Invitae), Labcorp
Classification: Uncertain significance for Pontocerebellar hypoplasia type 1A. Last evaluated: 2022-10-17. Review status: criteria provided, single submitter. Criteria: Invitae Variant Classification Sherloc (09022015). Collection method: clinical testing. Allele origin: germline.
Comment: This sequence change replaces isoleucine, which is neutral and non-polar, with threonine, which is neutral and polar, at codon 282 of the VRK1 protein (p.Ile282Thr). This variant is present in population databases (rs371024271, gnomAD 0.05%). This variant has not been reported in the literature in individuals affected with VRK1-related conditions. ClinVar contains an entry for this variant (Variation ID: 578869). Algorithms developed to predict the effect of missense changes on protein structure and function are either unavailable or do not agree on the potential impact of this missense change (SIFT: "Deleterious"; PolyPhen-2: "Benign"; Align-GVGD: "Class C0"). In summary, the available evidence is currently insufficient to determine the role of this variant in disease. Therefore, it has been classified as a Variant of Uncertain Significance.

Natera, Inc.
Classification: Uncertain significance for Pontocerebellar hypoplasia, type 1a. Last evaluated: 2020-07-21. Review status: no assertion criteria provided. Collection method: clinical testing. Allele origin: germline. Not counted in ClinVar's aggregate classification.

NM_003384.3(VRK1):c.845T>C (p.Ile282Thr)

Gene: VRK1 (VRK serine/threonine kinase 1; plus strand). Cytogenetic location: 14q32.2.
Variant type: single nucleotide variant.
Coding change: c.845T>C on transcript NM_003384.3 (MANE Select); coding-DNA position 845, T replaced by C.
Protein change: p.Ile282Thr; replaces isoleucine 282 with threonine.
Molecular consequence: missense variant.
Genome position (GRCh38, 1-based): chr14:96,856,542, T>C. VCF-style: chr14-96856542-T-C. GRCh37 (hg19) VCF-style: chr14-97322879-T-C.
Other names: p.Ile282Thr; short protein forms I282T.
Identifiers: ClinVar variation 578869 (VCV000578869.11), dbSNP rs371024271, ClinGen allele CA7339102.
Genomic context (GRCh38, chr14:96,856,542, plus strand): 5'-ACATATGACATCAAGCTTCAGTGACTCATTCTTTAATTTTTAACAGATACAGAGAAAATA[T>C]TGCAAGTTTGATGGACAAATGTTTTCCTGAGAAAAACAAACCAGGTAGGAAATGACTTCT-3'
Protein context (NP_003375.1, residues 272-292): RDSKIRYREN[Ile282Thr]ASLMDKCFPE